The following is an entry in ClinVar:

ClinVar aggregate classification (germline): Likely pathogenic. Review status: criteria provided, multiple submitters, no conflicts (2 of 4 stars). 4 submissions from 4 submitters: Likely pathogenic (4). Last evaluated 2025-03-04.

Conditions:
PKD1-related disorder. Also called: PKD1-related condition.
Polycystic kidney disease, adult type (PKD1). Also called: Polycystic Kidney, Autosomal Dominant; POLYCYSTIC KIDNEY DISEASE 1 WITH OR WITHOUT POLYCYSTIC LIVER DISEASE; POLYCYSTIC KIDNEY DISEASE, ADULT, TYPE I; Polycystic Kidney Disease 1, Autosomal Dominant; Polycystic kidney disease 1; Polycystic kidney disease 1, severe. Identifiers: MedGen C3149841, MONDO:0008263, OMIM 173900.

Submissions (4):

Women's Health and Genetics/Laboratory Corporation of America, LabCorp
Classification: Likely pathogenic for Polycystic kidney disease, adult type. Last evaluated: 2025-03-04. Review status: criteria provided, single submitter. Criteria: LabCorp Variant Classification Summary - May 2015. Collection method: clinical testing. Allele origin: germline.
Comment: Variant summary: PKD1 c.7268C>T (p.Ser2423Phe) results in a non-conservative amino acid change located in the REJ domain (IPR014010) of the encoded protein sequence. Five of five in-silico tools predict a damaging effect of the variant on protein function. The frequency data for this variant in gnomAD is considered unreliable, as metrics indicate poor data quality at this position. c.7268C>T has been reported in the literature in at-least four individuals affected with Polycystic Kidney Disease 1 (Irazabal_2011, Rossetti_2012, Watnick_1999). These data indicate that the variant is likely to be associated with disease. To our knowledge, no experimental evidence demonstrating an impact on protein function has been reported. The following publications have been ascertained in the context of this evaluation (PMID: 21551026, 22383692, 10577909). ClinVar contains an entry for this variant (Variation ID: 618813). Based on the evidence outlined above, the variant was classified as likely pathogenic.

Fulgent Genetics
Classification: Likely pathogenic for Polycystic kidney disease, adult type. Last evaluated: 2024-03-25. Review status: criteria provided, single submitter. Criteria: ACMG Guidelines, 2015. Collection method: clinical testing. Allele origin: germline.

Blueprint Genetics
Classification: Likely pathogenic for PKD1-related disorders. Last evaluated: 2024-02-13. Review status: criteria provided, single submitter. Criteria: ACMG Guidelines, 2015. Collection method: clinical testing. Allele origin: germline. Affected: yes. Observed: 2 variant alleles.

ARUP Laboratories, Molecular Genetics and Genomics, ARUP Laboratories
Classification: Likely pathogenic. Last evaluated: 2017-08-11. Review status: criteria provided, single submitter. Criteria: ARUP Molecular Germline Variant Investigation Process. Collection method: clinical testing. Allele origin: germline.
Comment: The PKD1 c.7268C>T; p.Ser2423Phe variant has been reported in multiple individuals with autosomal dominant polycystic kidney disease (Irazabal 2011, Rossetti 2012, Mayo ADPKD database), and shown to co-segregate with the disorder in one family (Watnick 1999). It is not observed in the general population databases (1000 Genomes Project, Exome Variant Server, Genome Aggregation Database). The serine at residue 2423 is moderately conserved, and computational algorithms (Mutation Taster, PolyPhen-2, SIFT) predict that the variant has an impact on the protein. Based on available information, this variant is considered likely pathogenic. References: Mayo ADPKD database: Irazabal M et al. Extended follow-up of unruptured intracranial aneurysms detected by presymptomatic screening in patients with autosomal dominant polycystic kidney disease. Clin J Am Soc Nephrol. 2011; 6(6):1274-85. Rossetti S et al. Identification of gene mutations in autosomal dominant polycystic kidney disease through targeted resequencing. J Am Soc Nephrol. 2012; 23(5):915-33. Watnick T et al. Mutation detection of PKD1 identifies a novel mutation common to three families with aneurysms and/or very-early-onset disease. Am J Hum Genet. 1999; 65(6):1561-71.

Literature cited by the submitters: PubMed 22383692 (cited by Women's Health and Genetics/Laboratory Corporation of America, LabCorp); PubMed 21551026 (cited by Women's Health and Genetics/Laboratory Corporation of America, LabCorp); PubMed 10577909 (cited by Women's Health and Genetics/Laboratory Corporation of America, LabCorp).

NM_001009944.3(PKD1):c.7268C>T (p.Ser2423Phe)

Gene: PKD1 (polycystin 1, transient receptor potential channel interacting; minus strand). Cytogenetic location: 16p13.3.
Variant type: single nucleotide variant.
Coding change: c.7268C>T on transcript NM_001009944.3 (MANE Select); coding-DNA position 7268, C replaced by T.
Protein change: p.Ser2423Phe; replaces serine 2423 with phenylalanine.
Molecular consequence: missense variant.
Genome position (GRCh38, 1-based): chr16:2,106,619, G>A on the plus strand (C>T on the coding strand, the complement: PKD1 is on the minus strand). VCF-style: chr16-2106619-G-A. GRCh37 (hg19) VCF-style: chr16-2156620-G-A.
Other names: c.7268C>T, p.Ser2423Phe (NM_000296.4); short protein forms S2423F.
Identifiers: ClinVar variation 618813 (VCV000618813.11), dbSNP rs1555453207, ClinGen allele CA394370507.